The following is an entry in ClinVar:

NM_152419.3(HGSNAT):c.*600C>T

Gene: HGSNAT (heparan-alpha-glucosaminide N-acetyltransferase; plus strand). Cytogenetic location: 8p11.1.
Variant type: single nucleotide variant.
Coding change: c.*600C>T on transcript NM_152419.3 (MANE Select); 600 bases downstream of the stop codon, C replaced by T.
Molecular consequence: 3 prime UTR variant.
Genome position (GRCh38, 1-based): chr8:43,200,169, C>T. VCF-style: chr8-43200169-C-T. GRCh37 (hg19) VCF-style: chr8-43055312-C-T.
Other names: c.*600C>T (NM_001363227.2, NM_001363228.2, NM_001363229.2).
Identifiers: ClinVar variation 908765 (VCV000908765.4), dbSNP rs377372501, ClinGen allele CA176077314.

ClinVar aggregate classification (germline): Benign (1 of 4 stars; one submission).

Conditions:
Mucopolysaccharidosis, MPS-III-C (MPS3C). Also called: mucopolysaccharidosis type 3C; MUCOPOLYSACCHARIDOSIS, TYPE IIIC; SANFILIPPO SYNDROME C; MPS III C; Mucopolysaccharidosis type IIIC (Sanfilippo C); MPS IIIC (Sanfilippo Syndrome Type C). Identifiers: Orphanet 581, Orphanet 79271, MedGen C0086649, MONDO:0009657, OMIM 252930.

Allele frequency attached by ClinVar (database versions not stated): 1000 Genomes Project 30x 0.00703; 1000 Genomes Project 0.00699.

Submission:

Illumina Laboratory Services, Illumina
Classification: Benign for Mucopolysaccharidosis, MPS-III-C. Last evaluated: 2018-01-13. Review status: criteria provided, single submitter. Criteria: ICSL Variant Classification Criteria 13 December 2019. Collection method: clinical testing. Allele origin: germline.
Comment: This variant was observed in the ICSL laboratory as part of a predisposition screen in an ostensibly healthy population. It had not been previously curated by ICSL or reported in the Human Gene Mutation Database (HGMD: prior to June 1st, 2018), and was therefore a candidate for classification through an automated scoring system. Utilizing variant allele frequency, disease prevalence and penetrance estimates, and inheritance mode, an automated score was calculated to assess if this variant is too frequent to cause the disease. Based on the score and internal cut-off values, a variant classified as benign is not then subjected to further curation. The score for this variant resulted in a classification of benign for this disease.